The following is an entry in ClinVar:

ClinVar aggregate classification (germline): Benign. Review status: criteria provided, multiple submitters, no conflicts (2 of 4 stars). 3 submissions from 3 submitters: Benign (3). Last evaluated 2021-06-09.

Allele frequency attached by ClinVar (database versions not stated): ESP Exome Variant Server 0.15299; gnomAD exomes 0.16586; ExAC 0.16803; 1000 Genomes Project 30x 0.08245; 1000 Genomes Project 0.08287; gnomAD 0.13888 and 0.13997.
gnomAD v4.1: 292,143 of 1,568,878 alleles (19%); highest among the groups gnomAD compares: Non-Finnish European, 21%; 54,294 homozygotes.

Submissions (3):

GeneDx
Classification: Benign. Last evaluated: 2021-06-09. Review status: criteria provided, single submitter. Criteria: GeneDx Variant Classification Process June 2021. Collection method: clinical testing. Allele origin: germline. Affected: yes.

Laboratory for Molecular Medicine, Mass General Brigham Personalized Medicine
Classification: Benign. Last evaluated: 2016-03-28. Review status: criteria provided, single submitter. Criteria: LMM Criteria. Collection method: clinical testing. Allele origin: germline.
Comment: Variant identified in a genome or exome case(s) and assessed due to predicted null impact of the variant or pathogenic assertions in the literature or databases. Disclaimer: This variant has not undergone full assessment. The following are preliminary notes: Frequency

Breakthrough Genomics
Classification: Benign. Review status: criteria provided, single submitter. Criteria: ACMG Guidelines, 2015. Collection method: not provided. Allele origin: germline. Inheritance: Autosomal dominant inheritance. Affected: yes.

NM_002458.3(MUC5B):c.8489C>T (p.Pro2830Leu)

Genes: MUC5B (mucin 5B, oligomeric mucus/gel-forming; plus strand), MUC5B-AS1 (MUC5B antisense RNA 1; minus strand). Cytogenetic location: 11p15.5.
Variant type: single nucleotide variant.
Coding change: c.8489C>T on transcript NM_002458.3 (MANE Select); coding-DNA position 8489, C replaced by T.
Protein change: p.Pro2830Leu; replaces proline 2830 with leucine.
Molecular consequence: missense variant.
Genome position (GRCh38, 1-based): chr11:1,245,369, C>T. VCF-style: chr11-1245369-C-T. GRCh37 (hg19) VCF-style: chr11-1266599-C-T.
Other names: short protein forms P2830L.
Identifiers: ClinVar variation 403146 (VCV000403146.7), dbSNP rs139960671, ClinGen allele CA5806657.